The following is an entry in ClinVar:

NM_025114.4(CEP290):c.6791A>G (p.Lys2264Arg)

Gene: CEP290 (centrosomal protein 290; minus strand). Cytogenetic location: 12q21.32.
Variant type: single nucleotide variant.
Coding change: c.6791A>G on transcript NM_025114.4 (MANE Select); coding-DNA position 6791, A replaced by G.
Protein change: p.Lys2264Arg; replaces lysine 2264 with arginine.
Molecular consequence: missense variant.
Genome position (GRCh38, 1-based): chr12:88,058,875, T>C on the plus strand (A>G on the coding strand, the complement: CEP290 is on the minus strand). VCF-style: chr12-88058875-T-C. GRCh37 (hg19) VCF-style: chr12-88452652-T-C.
Other names: short protein forms K2264R.
Identifiers: ClinVar variation 958715 (VCV000958715.8), dbSNP rs535571590, ClinGen allele CA6711433.

ClinVar aggregate classification (germline): Uncertain significance. Review status: criteria provided, multiple submitters, no conflicts (2 of 4 stars). 4 submissions from 4 submitters: Uncertain significance (3). 1 of the submissions does not count toward it. Last evaluated 2026-09-10.

Conditions:
Bardet-Biedl syndrome 14 (BBS14). Identifiers: Orphanet 110, MedGen C2673874, MONDO:0014442, OMIM 615991.
Joubert syndrome 5 (JBTS5). Identifiers: Orphanet 2318, MedGen C1857780, MONDO:0012432, OMIM 610188.
Senior-Loken syndrome 6 (SLSN6). Identifiers: Orphanet 3156, MedGen C1857779, MONDO:0012433, OMIM 610189.
Meckel syndrome, type 4 (MKS4). Also called: MECKEL-GRUBER SYNDROME, TYPE 4. Identifiers: Orphanet 564, MedGen C1970161, MONDO:0012626, OMIM 611134.
Leber congenital amaurosis 10 (LCA10). Identifiers: Orphanet 65, MedGen C1857821, MONDO:0012723, OMIM 611755.
CEP290-related disorder. Also called: CEP290-related condition; CEP290-related disorders. Identifiers: MedGen CN239314.
Leber congenital amaurosis (LCA). Also called: Leber's amaurosis. Identifiers: Orphanet 65, MedGen C0339527, MeSH D057130, MONDO:0018998.
Nephronophthisis. Also called: Juvenile Nephronophthisis. Identifiers: Orphanet 655, MedGen C0687120, MONDO:0019005, HP:0000090.
Meckel-Gruber syndrome. Also called: GRUBER SYNDROME; Dysencephalia splachnocystica; DYSENCEPHALIA SPLANCHNOCYSTICA. Identifiers: Orphanet 564, MedGen C0265215, MONDO:0018921.
Joubert syndrome. Also called: Familial aplasia of the vermis; JOUBERT-BOLTSHAUSER SYNDROME. Identifiers: Orphanet 475, MedGen C5979921, MONDO:0018772.

Allele frequency attached by ClinVar (database versions not stated): gnomAD 0.00001 and 0.00005; gnomAD exomes 0.00002 and 0.00006; TOPMed 0.00004; ExAC 0.00006; 1000 Genomes Project 30x 0.00047; 1000 Genomes Project 0.00060.
gnomAD v4.1: 32 of 1,613,932 alleles (0.002%); highest among the groups gnomAD compares: South Asian, 0.031%; no homozygotes.

Submissions (4):

PreventionGenetics, part of Exact Sciences
Classification: Uncertain significance for CEP290-related condition. Last evaluated: 2026-09-10. Review status: criteria provided, single submitter. Criteria: ACMG Guidelines, 2015. Collection method: clinical testing. Allele origin: germline.
Comment: The CEP290 c.6791A>G variant is predicted to result in the amino acid substitution p.Lys2264Arg. To our knowledge, this variant has not been reported in the literature. This variant is reported in 0.049% of alleles in individuals of South Asian descent in gnomAD. At this time, the clinical significance of this variant is uncertain due to the absence of conclusive functional and genetic evidence.

Labcorp Genetics (formerly Invitae), Labcorp
Classification: Uncertain significance for Joubert syndrome; Meckel-Gruber syndrome; Nephronophthisis. Last evaluated: 2024-09-23. Review status: criteria provided, single submitter. Criteria: Invitae Variant Classification Sherloc (09022015). Collection method: clinical testing. Allele origin: germline.
Comment: This sequence change replaces lysine, which is basic and polar, with arginine, which is basic and polar, at codon 2264 of the CEP290 protein (p.Lys2264Arg). This variant is present in population databases (rs535571590, gnomAD 0.05%). This variant has not been reported in the literature in individuals affected with CEP290-related conditions. ClinVar contains an entry for this variant (Variation ID: 958715). Invitae Evidence Modeling of protein sequence and biophysical properties (such as structural, functional, and spatial information, amino acid conservation, physicochemical variation, residue mobility, and thermodynamic stability) indicates that this missense variant is not expected to disrupt CEP290 protein function with a negative predictive value of 80%. In summary, the available evidence is currently insufficient to determine the role of this variant in disease. Therefore, it has been classified as a Variant of Uncertain Significance.

Fulgent Genetics
Classification: Uncertain significance for Joubert syndrome 5; Senior-Loken syndrome 6; Meckel syndrome, type 4; Leber congenital amaurosis 10; Bardet-Biedl syndrome 14. Last evaluated: 2024-05-31. Review status: criteria provided, single submitter. Criteria: ACMG Guidelines, 2015. Collection method: clinical testing. Allele origin: germline.

Natera, Inc.
Classification: Uncertain significance for Leber congenital amaurosis. Last evaluated: 2020-05-20. Review status: no assertion criteria provided. Collection method: clinical testing. Allele origin: germline. Not counted in ClinVar's aggregate classification.